The following is an entry in ClinVar:

NM_130384.3(ATRIP):c.139G>T (p.Asp47Tyr)

Genes: ATRIP (ATR interacting protein; plus strand), ATRIP-TREX1 (ATRIP-TREX1 readthrough; plus strand), LOC129936703 (ATAC-STARR-seq lymphoblastoid silent region 14331; plus strand). Cytogenetic location: 3p21.31.
Variant type: single nucleotide variant.
Coding change: c.139G>T on transcript NM_130384.3 (MANE Select); coding-DNA position 139, G replaced by T.
Protein change: p.Asp47Tyr; replaces aspartic acid 47 with tyrosine.
Molecular consequence: missense variant. On other transcripts: non-coding transcript variant (1), intron variant (1).
Genome position (GRCh38, 1-based): chr3:48,446,984, G>T. VCF-style: chr3-48446984-G-T. GRCh37 (hg19) VCF-style: chr3-48488388-G-T.
Other names: c.139G>T, p.Asp47Tyr (NM_032166.4); c.-218+185G>T (NM_001271022.2); short protein forms D47Y.
Identifiers: ClinVar variation 5032452 (VCV005032452.1).

ClinVar aggregate classification (germline): Uncertain significance (1 of 4 stars; one submission).

Submission:

Ambry Genetics
Classification: Uncertain significance. Last evaluated: 2026-08-08. Review status: criteria provided, single submitter. Criteria: Ambry Variant Classification Scheme 2023. Collection method: clinical testing. Allele origin: germline.
Comment: The p.D47Y variant (also known as c.139G>T), located in coding exon 1 of the ATRIP gene, results from a G to T substitution at nucleotide position 139. The aspartic acid at codon 47 is replaced by tyrosine, an amino acid with highly dissimilar properties. This amino acid position is conserved. In addition, the in silico prediction for this alteration is inconclusive. Based on the available evidence, the clinical significance of this variant remains unclear.